The following is an entry in ClinVar:

ClinVar aggregate classification (germline): Uncertain significance (1 of 4 stars; one submission).

Conditions:
Transcobalamin II deficiency (TCN2D). Also called: TC II DEFICIENCY; TCN2 DEFICIENCY; Transcolabamin II deficiency. Identifiers: Orphanet 859, MedGen C0342701, MONDO:0010149, OMIM 275350.

gnomAD v4.1: 2 of 1,614,178 alleles (0.00012%); highest among the groups gnomAD compares: Admixed American, 0.0017%; no homozygotes.

Submission:

Labcorp Genetics (formerly Invitae), Labcorp
Classification: Uncertain significance for Transcobalamin II deficiency. Last evaluated: 2025-11-27. Review status: criteria provided, single submitter. Criteria: Invitae Variant Classification Sherloc (09022015). Collection method: clinical testing. Allele origin: germline.
Comment: This sequence change replaces alanine, which is neutral and non-polar, with valine, which is neutral and non-polar, at codon 199 of the TCN2 protein (p.Ala199Val). This variant is present in population databases (rs568757292, gnomAD 0.003%). This variant has not been reported in the literature in individuals affected with TCN2-related conditions. Invitae Evidence Modeling of protein sequence and biophysical properties (such as structural, functional, and spatial information, amino acid conservation, physicochemical variation, residue mobility, and thermodynamic stability) indicates that this missense variant is not expected to disrupt TCN2 protein function with a negative predictive value of 80%. In summary, the available evidence is currently insufficient to determine the role of this variant in disease. Therefore, it has been classified as a Variant of Uncertain Significance.

NM_000355.4(TCN2):c.596C>T (p.Ala199Val)

Gene: TCN2 (transcobalamin 2; plus strand). Cytogenetic location: 22q12.2.
Variant type: single nucleotide variant.
Coding change: c.596C>T on transcript NM_000355.4 (MANE Select); coding-DNA position 596, C replaced by T.
Protein change: p.Ala199Val; replaces alanine 199 with valine.
Molecular consequence: missense variant.
Genome position (GRCh38, 1-based): chr22:30,615,316, C>T. VCF-style: chr22-30615316-C-T. GRCh37 (hg19) VCF-style: chr22-31011303-C-T.
Other names: c.515C>T, p.Ala172Val (NM_001184726.2); short protein forms A172V, A199V.
Identifiers: ClinVar variation 4809777 (VCV004809777.1).
Genomic context (GRCh38, chr22:30,615,316, plus strand): 5'-CCTTTGGCTCTCCAGCTCATTGCATGTTCTGTCCCCCACTTCAAGACACAGCAGCCATGG[C>T]AGGCTTGGCATTCACCTGTCTGAAGCGCTCAAACTTCAACCCTGGTCGGAGACAACGGAT-3'
Protein context (NP_000346.2, residues 189-209): GHHSVDTAAM[Ala199Val]GLAFTCLKRS